The following is an entry in ClinVar:

ClinVar aggregate classification (germline): Uncertain significance. Review status: criteria provided, multiple submitters, no conflicts (2 of 4 stars). 9 submissions from 9 submitters: Uncertain significance (7). 2 of the submissions do not count toward it. Last evaluated 2025-03-23.

Conditions:
Familial cancer of breast. Also called: BREAST CANCER, FAMILIAL; Hereditary breast cancer; hereditary breast carcinoma. Identifiers: Orphanet 227535, MedGen C0346153, MONDO:0016419, OMIM 114480. Disease mechanism: loss of function.
Hereditary cancer-predisposing syndrome. Also called: Hereditary Cancer Syndrome; Neoplastic Syndromes, Hereditary; Tumor predisposition; Hereditary neoplastic syndrome. Identifiers: Orphanet 140162, MedGen C0027672, MeSH D009386, MONDO:0015356.
Ataxia-telangiectasia syndrome (AT). Also called: Ataxia-telangiectasia, complementation group D; AT, COMPLEMENTATION GROUP C; ATAXIA-TELANGIECTASIA, COMPLEMENTATION GROUP A; ATAXIA-TELANGIECTASIA, FRESNO VARIANT; Ataxia-telangiectasia; LOUIS-BAR SYNDROME. Identifiers: Orphanet 100, MedGen C0004135, MONDO:0008840, OMIM 208900.

Allele frequency attached by ClinVar (database versions not stated): gnomAD exomes below 0.00001 and 0.00001; TOPMed below 0.00001.
gnomAD v4.1: 10 of 1,610,692 alleles (0.00062%); highest among the groups gnomAD compares: Non-Finnish European, 0.00076%; no homozygotes.

Submissions (9):

Labcorp Genetics (formerly Invitae), Labcorp
Classification: Uncertain significance for Ataxia-telangiectasia syndrome. Last evaluated: 2025-03-23. Review status: criteria provided, single submitter. Criteria: Invitae Variant Classification Sherloc (09022015). Collection method: clinical testing. Allele origin: germline.
Comment: This sequence change replaces histidine, which is basic and polar, with arginine, which is basic and polar, at codon 1027 of the ATM protein (p.His1027Arg). This variant is present in population databases (rs786204217, gnomAD 0.0009%). This missense change has been observed in individual(s) with hereditary breast and ovarian cancer (PMID: 25186627). ClinVar contains an entry for this variant (Variation ID: 188327). An algorithm developed to predict the effect of missense changes on protein structure and function (PolyPhen-2) suggests that this variant is likely to be tolerated. In summary, the available evidence is currently insufficient to determine the role of this variant in disease. Therefore, it has been classified as a Variant of Uncertain Significance.

Ambry Genetics
Classification: Uncertain significance for Hereditary cancer-predisposing syndrome. Last evaluated: 2024-02-18. Review status: criteria provided, single submitter. Criteria: Ambry Variant Classification Scheme 2023. Collection method: clinical testing. Allele origin: germline.
Comment: The p.H1027R variant (also known as c.3080A>G), located in coding exon 20 of the ATM gene, results from an A to G substitution at nucleotide position 3080. The histidine at codon 1027 is replaced by arginine, an amino acid with highly similar properties. This alteration has been reported in individuals with a personal and/or family history of breast cancer (Decker B et al. J Med Genet, 2017 11;54:732-741; Tung N et al. Cancer, 2015 Jan;121:25-33; Lerner-Ellis J et al. J Cancer Res Clin Oncol. 2021 147, 871&ndash;879). This amino acid position is not well conserved in available vertebrate species. In addition, this alteration is predicted to be tolerated by in silico analysis. Since supporting evidence is limited at this time, the clinical significance of this alteration remains unclear.

Color Diagnostics, LLC DBA Color Health
Classification: Uncertain significance for Hereditary cancer-predisposing syndrome. Last evaluated: 2024-02-12. Review status: criteria provided, single submitter. Criteria: ACMG Guidelines, 2015. Collection method: clinical testing. Allele origin: germline.
Comment: This missense variant replaces histidine with arginine at codon 1027 of the ATM protein. Computational prediction suggests that this variant may not impact protein structure and function. To our knowledge, functional studies have not been reported for this variant. This variant has been detected in an individual affected with breast cancer as well as in several unaffected individuals (PMID: 25186627, 28779002, 32885271, 33471991). This variant has been identified in 1/251156 chromosomes in the general population by the Genome Aggregation Database (gnomAD). The available evidence is insufficient to determine the role of this variant in disease conclusively. Therefore, this variant is classified as a Variant of Uncertain Significance.

Baylor Genetics
Classification: Uncertain significance for Familial cancer of breast. Last evaluated: 2023-08-29. Review status: criteria provided, single submitter. Criteria: ACMG Guidelines, 2015. Collection method: clinical testing. Allele origin: unknown.

Women's Health and Genetics/Laboratory Corporation of America, LabCorp
Classification: Uncertain significance. Last evaluated: 2019-11-05. Review status: criteria provided, single submitter. Criteria: LabCorp Variant Classification Summary - May 2015. Collection method: clinical testing. Allele origin: germline.
Comment: Variant summary: ATM c.3080A>G (p.His1027Arg) results in a non-conservative amino acid change in the encoded protein sequence. Four of five in-silico tools predict a benign effect of the variant on protein function. The variant allele was found at a frequency of 4e-06 in 251156 control chromosomes (one individual in gnomAD). The available data on variant occurrences in the general population are insufficient to allow any conclusion about variant significance. c.3080A>G has been reported in the literature in an individual who was affected with Breast Cancer (Tung_2015). This report does not provide unequivocal conclusions about association of the variant with Ataxia-Telangiectasia. To our knowledge, no experimental evidence demonstrating an impact on protein function has been reported. Three clinical diagnostic laboratories have submitted clinical-significance assessments for this variant to ClinVar after 2014 without evidence for independent evaluation, and all cited the variant as uncertain significance. Based on the evidence outlined above, the variant was classified as uncertain significance.

GeneDx
Classification: Uncertain significance. Last evaluated: 2019-05-01. Review status: criteria provided, single submitter. Criteria: GeneDx Variant Classification Process June 2021. Collection method: clinical testing. Allele origin: germline. Affected: yes.
Comment: Has not been previously published as pathogenic or benign to our knowledge

Fulgent Genetics
Classification: Uncertain significance for Familial cancer of breast; Ataxia-telangiectasia syndrome. Last evaluated: 2018-10-31. Review status: criteria provided, single submitter. Criteria: ACMG Guidelines, 2015. Collection method: clinical testing. Allele origin: unknown.

Natera, Inc.
Classification: Uncertain significance for Ataxia-telangiectasia. Last evaluated: 2020-11-17. Review status: no assertion criteria provided. Collection method: clinical testing. Allele origin: germline. Not counted in ClinVar's aggregate classification.

Department of Pathology and Laboratory Medicine, Sinai Health System
Classification: Uncertain significance. Review status: no assertion criteria provided. Collection method: clinical testing. Allele origin: unknown. Affected: yes. Study: The Canadian Open Genetics Repository (COGR). Not counted in ClinVar's aggregate classification.
Comment: The ATM p.His1027Arg variant was not identified in the literature, nor was it identified in the LOVD 3.0 database. The variant was identified in dbSNP (ID: rs786204217) as â€šÃ„ÃºWith Uncertain significance alleleâ€šÃ„Ã¹ and ClinVar (classified as uncertain significance by Invitae, Ambry Genetics, and Fulgent Genetics). The variant was identified in control databases in 1 of 246040 chromosomes at a frequency of 0.000004 (Genome Aggregation Database Feb 27, 2017). The variant was observed in the European population in 1 of 111556 chromosomes (freq: 0.000009), while the variant was not observed in the African, Other, Latino, Ashkenazi Jewish, East Asian, Finnish, or South Asian populations. The p.His1027 residue is conserved in mammals but not in more distantly related organisms and computational analyses (PolyPhen-2, SIFT, AlignGVGD, BLOSUM, MutationTaster) do not suggest a high likelihood of impact to the protein. The variant occurs outside of the splicing consensus sequence and in silico or computational prediction software programs (SpliceSiteFinder, MaxEntScan, NNSPLICE, GeneSplicer) do not predict a difference in splicing. In summary, based on the above information, the clinical significance of this variant cannot be determined with certainty at this time. This variant is classified as a variant of uncertain significance.

Literature cited by the submitters: PubMed 25186627 (cited by 4 submitters); PubMed 28779002 (cited by Ambry Genetics and Color Diagnostics, LLC DBA Color Health); PubMed 32885271 (cited by Ambry Genetics and Color Diagnostics, LLC DBA Color Health); PubMed 33471991 (cited by Color Diagnostics, LLC DBA Color Health).

NM_000051.4(ATM):c.3080A>G (p.His1027Arg)

Gene: ATM (ATM serine/threonine kinase; plus strand). Cytogenetic location: 11q22.3.
Variant type: single nucleotide variant.
Coding change: c.3080A>G on transcript NM_000051.4 (MANE Select); coding-DNA position 3080, A replaced by G.
Protein change: p.His1027Arg; replaces histidine 1027 with arginine.
Molecular consequence: missense variant.
Genome position (GRCh38, 1-based): chr11:108,272,534, A>G. VCF-style: chr11-108272534-A-G. GRCh37 (hg19) VCF-style: chr11-108143261-A-G.
Other names: c.3080A>G, p.His1027Arg (NM_001351834.2); short protein forms H1027R.
Identifiers: ClinVar variation 188327 (VCV000188327.29), dbSNP rs786204217, ClinGen allele CA334621.